The following is an entry in ClinVar:

NM_001145809.2(MYH14):c.5270C>T (p.Ser1757Leu)

Gene: MYH14 (myosin heavy chain 14; plus strand). Cytogenetic location: 19q13.33.
Variant type: single nucleotide variant.
Coding change: c.5270C>T on transcript NM_001145809.2 (MANE Select); coding-DNA position 5270, C replaced by T.
Protein change: p.Ser1757Leu; replaces serine 1757 with leucine.
Molecular consequence: missense variant.
Genome position (GRCh38, 1-based): chr19:50,293,246, C>T. VCF-style: chr19-50293246-C-T. GRCh37 (hg19) VCF-style: chr19-50796503-C-T.
Other names: c.5270C>T (NM_001145809.1); c.5171C>T, p.Ser1724Leu (NM_001077186.2); c.5147C>T, p.Ser1716Leu (NM_024729.4); short protein forms S1716L, S1724L, S1757L.
Identifiers: ClinVar variation 1163632 (VCV001163632.11), dbSNP rs770822041, ClinGen allele CA9593744.
Genomic context (GRCh38, chr19:50,293,246, plus strand): 5'-CAGATTGCTTCTCCTCACACCCACCGGCCACCCCTCCATCATCACAGGAACTGGCCGCCT[C>T]GGACCGTGCTCGGCGGCAGGCCCAGCAGGACCGGGATGAGATGGCAGATGAGGTGGCCAA-3'
Protein context (NP_001139281.1, residues 1747-1767): VLRLQEELAA[Ser1757Leu]DRARRQAQQD

ClinVar aggregate classification (germline): Uncertain significance. Review status: criteria provided, multiple submitters, no conflicts (2 of 4 stars). 3 submissions from 3 submitters: Uncertain significance (3). Last evaluated 2025-03-26.

Conditions:
MYH14-related disorder. Also called: MYH14-related condition.

Allele frequency attached by ClinVar (database versions not stated): gnomAD exomes below 0.00001 and 0.00001; gnomAD 0.00002; TOPMed 0.00002; ExAC 0.00005.
gnomAD v4.1: 10 of 1,606,302 alleles (0.00062%); highest among the groups gnomAD compares: African/African-American, 0.0027%; no homozygotes.

Submissions (3):

PreventionGenetics, part of Exact Sciences
Classification: Uncertain significance for MYH14-related condition. Last evaluated: 2025-03-26. Review status: criteria provided, single submitter. Criteria: ACMG Guidelines, 2015. Collection method: clinical testing. Allele origin: germline.
Comment: The MYH14 c.5270C>T variant is predicted to result in the amino acid substitution p.Ser1757Leu. To our knowledge, this variant has not been reported in the literature. This variant is reported in 0.0058% of alleles in individuals of East Asian descent in gnomAD. At this time, the clinical significance of this variant is uncertain due to the absence of conclusive functional and genetic evidence.

Labcorp Genetics (formerly Invitae), Labcorp
Classification: Uncertain significance. Last evaluated: 2025-01-06. Review status: criteria provided, single submitter. Criteria: Invitae Variant Classification Sherloc (09022015). Collection method: clinical testing. Allele origin: germline.
Comment: This sequence change replaces serine, which is neutral and polar, with leucine, which is neutral and non-polar, at codon 1716 of the MYH14 protein (p.Ser1716Leu). The frequency data for this variant in the population databases is considered unreliable, as metrics indicate poor data quality at this position in the gnomAD database. This variant has not been reported in the literature in individuals affected with MYH14-related conditions. ClinVar contains an entry for this variant (Variation ID: 1163632). Invitae Evidence Modeling of protein sequence and biophysical properties (such as structural, functional, and spatial information, amino acid conservation, physicochemical variation, residue mobility, and thermodynamic stability) indicates that this missense variant is not expected to disrupt MYH14 protein function with a negative predictive value of 80%. In summary, the available evidence is currently insufficient to determine the role of this variant in disease. Therefore, it has been classified as a Variant of Uncertain Significance.

Mayo Clinic Laboratories, Mayo Clinic
Classification: Uncertain significance. Last evaluated: 2019-07-28. Review status: criteria provided, single submitter. Criteria: ACMG Guidelines, 2015. Collection method: clinical testing. Allele origin: germline. Observed: 1 variant allele.